The following is an entry in ClinVar:

NM_001193369.2(DIDO1):c.1734A>T (p.Ala578=)

Gene: DIDO1 (death inducer-obliterator 1; minus strand). Cytogenetic location: 20q13.33.
Variant type: single nucleotide variant.
Coding change: c.1734A>T on transcript NM_001193369.2 (MANE Select); coding-DNA position 1734, A replaced by T.
Protein change: p.Ala578=; no amino-acid change (alanine 578 retained).
Molecular consequence: synonymous variant.
Genome position (GRCh38, 1-based): chr20:62,896,851, T>A on the plus strand (A>T on the coding strand, the complement: DIDO1 is on the minus strand). VCF-style: chr20-62896851-T-A. GRCh37 (hg19) VCF-style: chr20-61528203-T-A.
Other names: c.1734A>T, p.Ala578= (NM_001193370.2, NM_033081.3, NM_080797.4).
Identifiers: ClinVar variation 3234372 (VCV003234372.20), dbSNP rs750469261, ClinGen allele CA511335067.
Genomic context (GRCh38, chr20:62,896,851, plus strand): 5'-TGGCCTCTTGGGGATGGTGCCCTTGAAACCTGAGGGTGGCTTTTTAATGGCTGGTGTGGC[T>A]GCTGCCACATTAGCAAAAGAAGACTTCTTTGGCACGAGGTTTCTAGGTGCAGGCTGCTTG-3'
Protein context (NP_001180298.1, residues 568-588): PKKSSFANVA[Ala578=]ATPAIKKPPS

ClinVar aggregate classification (germline): Likely benign (1 of 4 stars; one submission).

Submission:

CeGaT Center for Human Genetics Tuebingen
Classification: Likely benign. Last evaluated: 2024-03-01. Review status: criteria provided, single submitter. Criteria: CeGaT Center For Human Genetics Tuebingen Variant Classification Criteria Version 2. Collection method: clinical testing. Allele origin: germline. Affected: yes. Observed: 1 variant allele.
Comment: DIDO1: PM2:Supporting, BP4, BP7